The following is an entry in ClinVar:

ClinVar aggregate classification (germline): Benign/Likely benign. Review status: criteria provided, multiple submitters, no conflicts (2 of 4 stars). 4 submissions from 4 submitters: Benign (1); Likely benign (3). Last evaluated 2025-09-24.

Allele frequency attached by ClinVar (database versions not stated): ESP Exome Variant Server 0.00008; TOPMed 0.00009; ExAC 0.00038.
gnomAD v4.1: 235 of 1,610,326 alleles (0.015%); highest among the groups gnomAD compares: South Asian, 0.17%; 4 homozygotes.

Submissions (4):

Mayo Clinic Laboratories, Mayo Clinic
Classification: Benign. Last evaluated: 2025-09-24. Review status: criteria provided, single submitter. Criteria: ACMG Guidelines, 2015. Collection method: clinical testing. Allele origin: germline. Observed: 3 variant alleles.
Comment: BS1, BS2, BP4, BP7

Labcorp Genetics (formerly Invitae), Labcorp
Classification: Likely benign. Last evaluated: 2025-08-25. Review status: criteria provided, single submitter. Criteria: Invitae Variant Classification Sherloc (09022015). Collection method: clinical testing. Allele origin: germline.

Blueprint Genetics
Classification: Likely benign. Last evaluated: 2024-11-07. Review status: criteria provided, single submitter. Criteria: ACMG Guidelines, 2015. Collection method: clinical testing. Allele origin: germline.

Breakthrough Genomics
Classification: Likely benign. Review status: criteria provided, single submitter. Criteria: ACMG Guidelines, 2015. Collection method: not provided. Allele origin: germline. Inheritance: Autosomal recessive inheritance. Affected: yes.

NM_020821.3(VPS13C):c.6060C>T (p.Asp2020=)

Gene: VPS13C (vacuolar protein sorting 13 homolog C; minus strand). Cytogenetic location: 15q22.2.
Variant type: single nucleotide variant.
Coding change: c.6060C>T on transcript NM_020821.3 (MANE Select); coding-DNA position 6060, C replaced by T.
Protein change: p.Asp2020=; no amino-acid change (aspartic acid 2020 retained).
Molecular consequence: synonymous variant.
Genome position (GRCh38, 1-based): chr15:61,929,727, G>A on the plus strand (C>T on the coding strand, the complement: VPS13C is on the minus strand). VCF-style: chr15-61929727-G-A. GRCh37 (hg19) VCF-style: chr15-62221926-G-A.
Other names: p.Asp2020=; c.6060C>T, p.Asp2020= (NM_001018088.3); c.5931C>T, p.Asp1977= (NM_017684.5, NM_018080.4).
Identifiers: ClinVar variation 2163178 (VCV002163178.7), dbSNP rs142537492, ClinGen allele CA7595643.
Genomic context (GRCh38, chr15:61,929,727, plus strand): 5'-TTGACTTCCATTTTTGTCTTGTTTGTAACTTATATCAATCATAGAACTGTTGTTATCTTG[G>A]TCATTCTTTCTGTCAATCATTCTGAAAAAAAACATGCTATTCATTATTTTATTCTTGCTA-3'
Protein context (NP_065872.1, residues 2010-2030): ATSRMIDRKN[Asp2020=]QDNNSSMIDI